The following is an entry in ClinVar:

ClinVar aggregate classification (germline): Uncertain significance (1 of 4 stars; one submission).

Submission:

Labcorp Genetics (formerly Invitae), Labcorp
Classification: Uncertain significance. Last evaluated: 2025-08-04. Review status: criteria provided, single submitter. Criteria: Invitae Variant Classification Sherloc (09022015). Collection method: clinical testing. Allele origin: germline.
Comment: This sequence change replaces serine, which is neutral and polar, with phenylalanine, which is neutral and non-polar, at codon 455 of the NEDD4L protein (p.Ser455Phe). This variant is not present in population databases (gnomAD no frequency). This variant has not been reported in the literature in individuals affected with NEDD4L-related conditions. ClinVar contains an entry for this variant (Variation ID: 2717721). Invitae Evidence Modeling of protein sequence and biophysical properties (such as structural, functional, and spatial information, amino acid conservation, physicochemical variation, residue mobility, and thermodynamic stability) indicates that this missense variant is not expected to disrupt NEDD4L protein function with a negative predictive value of 80%. In summary, the available evidence is currently insufficient to determine the role of this variant in disease. Therefore, it has been classified as a Variant of Uncertain Significance.

NM_001144967.3(NEDD4L):c.1424C>T (p.Ser475Phe)

Gene: NEDD4L (NEDD4 like E3 ubiquitin protein ligase; plus strand). Cytogenetic location: 18q21.31.
Variant type: single nucleotide variant.
Coding change: c.1424C>T on transcript NM_001144967.3 (MANE Select); coding-DNA position 1424, C replaced by T.
Protein change: p.Ser475Phe; replaces serine 475 with phenylalanine.
Molecular consequence: missense variant.
Genome position (GRCh38, 1-based): chr18:58,342,952, C>T. VCF-style: chr18-58342952-C-T. GRCh37 (hg19) VCF-style: chr18-56010184-C-T.
Other names: c.1061C>T, p.Ser354Phe (NM_001144964.1, NM_001144965.2, NM_001144966.3); c.1400C>T, p.Ser467Phe (NM_001144968.2); c.1340C>T, p.Ser447Phe (NM_001144969.2); c.1001C>T, p.Ser334Phe (NM_001144970.3, NM_001144971.2); c.1232C>T, p.Ser411Phe (NM_001243960.2); c.1364C>T, p.Ser455Phe (NM_015277.6); short protein forms S334F, S455F, S467F, S475F, S354F, S411F, S447F.
Identifiers: ClinVar variation 2717721 (VCV002717721.3), dbSNP rs2516868609, ClinGen allele CA402537093.